The following is an entry in ClinVar:

ClinVar aggregate classification (germline): Likely pathogenic. Review status: criteria provided, multiple submitters, no conflicts (2 of 4 stars). 3 submissions from 3 submitters: Likely pathogenic (3). Last evaluated 2021-01-15.

Conditions:
Landau-Kleffner syndrome (FESD). Also called: EPILEPSY, FOCAL, WITH SPEECH DISORDER AND WITH OR WITHOUT MENTAL RETARDATION; APHASIA, ACQUIRED, WITH EPILEPSY. Identifiers: Orphanet 1945, Orphanet 725, Orphanet 98818, MedGen C0282512, MONDO:0009509, OMIM 245570.
GRIN2A-Related Disorders. Identifiers: MedGen CN381066.

Submissions (3):

Blueprint Genetics
Classification: Likely pathogenic for GRIN2A-related disorders. Last evaluated: 2021-01-15. Review status: criteria provided, single submitter. Criteria: ACMG Guidelines, 2015. Collection method: clinical testing. Allele origin: germline. Affected: yes. Observed: 1 variant allele.

Institute of Human Genetics, University of Leipzig Medical Center
Classification: Likely pathogenic for Landau-Kleffner syndrome. Last evaluated: 2019-01-01. Review status: criteria provided, single submitter. Criteria: ACMG Guidelines, 2015. Collection method: research. Allele origin: de novo. Affected: yes.

GeneDx
Classification: Likely pathogenic. Last evaluated: 2015-06-06. Review status: criteria provided, single submitter. Criteria: GeneDx Variant Classification (06012015). Collection method: clinical testing. Allele origin: germline. Affected: yes.
Comment: The G532V variant has not been published as a pathogenic variant, nor has it been reported as a benign polymorphism to our knowledge. It was not observed in approximately 6,500 individuals of European and African American ancestry in the NHLBI Exome Sequencing Project, indicating it is not a common benign variant in these populations. The G532V variant is a conservative amino acid substitution, which is not likely to impact secondary protein structure as these residues share similar properties. However, this substitution occurs at a position that is conserved across species, and in silico analysis predicts this variant is probably damaging to the protein structure/function. Additionally, a missense variant in a nearby residue (T531M) has been reported in the Human Gene Mutation Database in association with a GRIN2A-related disorder (Stenson et al., 2014). Therefore, this variant is a strong candidate for a pathogenic variant, however the possibility that it is a benign variant cannot be excluded.

Literature cited by the submitters: PubMed 30544257 (cited by Institute of Human Genetics, University of Leipzig Medical Center).

NM_001134407.3(GRIN2A):c.1595G>T (p.Gly532Val)

Gene: GRIN2A (glutamate ionotropic receptor NMDA type subunit 2A; minus strand). Cytogenetic location: 16p13.2.
Variant type: single nucleotide variant.
Coding change: c.1595G>T on transcript NM_001134407.3 (MANE Select); coding-DNA position 1595, G replaced by T.
Protein change: p.Gly532Val; replaces glycine 532 with valine.
Molecular consequence: missense variant.
Genome position (GRCh38, 1-based): chr16:9,840,703, C>A on the plus strand (G>T on the coding strand, the complement: GRIN2A is on the minus strand). VCF-style: chr16-9840703-C-A. GRCh37 (hg19) VCF-style: chr16-9934560-C-A.
Other names: c.1595G>T, p.Gly532Val (NM_000833.5, NM_001134408.2); short protein forms G532V.
Identifiers: ClinVar variation 427106 (VCV000427106.4), dbSNP rs1085307961, ClinGen allele CA394800293.